The following is an entry in ClinVar:

ClinVar aggregate classification (germline): Uncertain significance (1 of 4 stars; one submission).

Conditions:
Autosomal dominant hypocalcemia 1 (HYPOC1). Also called: HYPOCALCEMIA, FAMILIAL. Identifiers: MedGen C3715128, MONDO:0011013, OMIM 601198.
Familial hypocalciuric hypercalcemia (FHH). Also called: Familial benign hypercalcemia. Identifiers: Orphanet 405, MedGen C1809471, MONDO:0018458.

Allele frequency attached by ClinVar (database versions not stated): TOPMed below 0.00001; gnomAD 0.00001.
gnomAD v4.1: 2 of 1,614,132 alleles (0.00012%); highest among the groups gnomAD compares: Non-Finnish European, 0.000085%; no homozygotes.

Submission:

Labcorp Genetics (formerly Invitae), Labcorp
Classification: Uncertain significance for Familial hypocalciuric hypercalcemia; Autosomal dominant hypocalcemia 1. Last evaluated: 2023-11-02. Review status: criteria provided, single submitter. Criteria: Invitae Variant Classification Sherloc (09022015). Collection method: clinical testing. Allele origin: germline.
Comment: This sequence change replaces phenylalanine, which is neutral and non-polar, with cysteine, which is neutral and slightly polar, at codon 806 of the CASR protein (p.Phe806Cys). This variant is not present in population databases (gnomAD no frequency). This variant has not been reported in the literature in individuals affected with CASR-related conditions. ClinVar contains an entry for this variant (Variation ID: 1411719). An algorithm developed to predict the effect of missense changes on protein structure and function (PolyPhen-2) suggests that this variant is likely to be disruptive. In summary, the available evidence is currently insufficient to determine the role of this variant in disease. Therefore, it has been classified as a Variant of Uncertain Significance.

NM_000388.4(CASR):c.2417T>G (p.Phe806Cys)

Gene: CASR (calcium sensing receptor; plus strand). Cytogenetic location: 3q21.1.
Variant type: single nucleotide variant.
Coding change: c.2417T>G on transcript NM_000388.4 (MANE Select); coding-DNA position 2417, T replaced by G.
Protein change: p.Phe806Cys; replaces phenylalanine 806 with cysteine.
Molecular consequence: missense variant.
Genome position (GRCh38, 1-based): chr3:122,284,371, T>G. VCF-style: chr3-122284371-T-G. GRCh37 (hg19) VCF-style: chr3-122003218-T-G.
Other names: c.2447T>G, p.Phe816Cys (NM_001178065.2); short protein forms F806C, F816C.
Identifiers: ClinVar variation 1411719 (VCV001411719.8), dbSNP rs104893693, ClinGen allele CA354159754.
Genomic context (GRCh38, chr3:122,284,371, plus strand): 5'-TCTGCTTCTTCTTTGCCTTCAAGTCCCGGAAGCTGCCGGAGAACTTCAATGAAGCCAAGT[T>G]CATCACCTTCAGCATGCTCATCTTCTTCATCGTCTGGATCTCCTTCATTCCAGCCTATGC-3'
Protein context (NP_000379.3, residues 796-816): KLPENFNEAK[Phe806Cys]ITFSMLIFFI